The following is an entry in ClinVar:

ClinVar aggregate classification (germline): Uncertain significance (1 of 4 stars; one submission).

Conditions:
Ullrich congenital muscular dystrophy 2 (UCMD2). Identifiers: Orphanet 75840, MedGen C4225314, MONDO:0014654, OMIM 616470.
Bethlem myopathy 2 (BTHLM2). Identifiers: Orphanet 536516, Orphanet 610, MedGen C4225313, MONDO:0034022, OMIM 616471.

Submission:

Labcorp Genetics (formerly Invitae), Labcorp
Classification: Uncertain significance for Bethlem myopathy 2; Ullrich congenital muscular dystrophy 2. Last evaluated: 2022-12-06. Review status: criteria provided, single submitter. Criteria: Invitae Variant Classification Sherloc (09022015). Collection method: clinical testing. Allele origin: germline.
Comment: In summary, the available evidence is currently insufficient to determine the role of this variant in disease. Therefore, it has been classified as a Variant of Uncertain Significance. Advanced modeling of protein sequence and biophysical properties (such as structural, functional, and spatial information, amino acid conservation, physicochemical variation, residue mobility, and thermodynamic stability) performed at Invitae indicates that this missense variant is not expected to disrupt COL12A1 protein function. ClinVar contains an entry for this variant (Variation ID: 836982). This variant has not been reported in the literature in individuals affected with COL12A1-related conditions. This variant is not present in population databases (gnomAD no frequency). This sequence change replaces valine, which is neutral and non-polar, with phenylalanine, which is neutral and non-polar, at codon 328 of the COL12A1 protein (p.Val328Phe).

NM_004370.6(COL12A1):c.982G>T (p.Val328Phe)

Gene: COL12A1 (collagen type XII alpha 1 chain; minus strand). Cytogenetic location: 6q13.
Variant type: single nucleotide variant.
Coding change: c.982G>T on transcript NM_004370.6 (MANE Select); coding-DNA position 982, G replaced by T.
Protein change: p.Val328Phe; replaces valine 328 with phenylalanine.
Molecular consequence: missense variant. On other transcripts: intron variant (1).
Genome position (GRCh38, 1-based): chr6:75,188,377, C>A on the plus strand (G>T on the coding strand, the complement: COL12A1 is on the minus strand). VCF-style: chr6-75188377-C-A. GRCh37 (hg19) VCF-style: chr6-75898093-C-A.
Other names: c.73+14343G>T (NM_080645.3); short protein forms V328F.
Identifiers: ClinVar variation 836982 (VCV000836982.8), dbSNP rs370040853, ClinGen allele CA364727413.
Genomic context (GRCh38, chr6:75,188,377, plus strand): 5'-AATGGAAAAGACTAACACATGGGGAATGCTACACAGTCTACTCACCTTCTTCTCCACTAA[C>A]CAATTCACCAAGTTGTTCATCAACACCTGAGCACACCTGGGAGATGATCTCATTCTGAAT-3'
Protein context (NP_004361.3, residues 318-338): SGVDEQLGEL[Val328Phe]SGEEVVEPPS